The following is an entry in ClinVar:

ClinVar aggregate classification (germline): Uncertain significance. Review status: criteria provided, multiple submitters, no conflicts (2 of 4 stars). 3 submissions from 3 submitters: Uncertain significance (3). Last evaluated 2025-12-22.

Conditions:
Hereditary nonpolyposis colorectal neoplasms. Identifiers: MedGen C0009405, MeSH D003123.
Hereditary cancer-predisposing syndrome. Also called: Tumor predisposition; Hereditary neoplastic syndrome; Neoplastic Syndromes, Hereditary; Hereditary Cancer Syndrome. Identifiers: Orphanet 140162, MedGen C0027672, MeSH D009386, MONDO:0015356.

Submissions (3):

Labcorp Genetics (formerly Invitae), Labcorp
Classification: Uncertain significance for Hereditary nonpolyposis colorectal neoplasms. Last evaluated: 2025-12-22. Review status: criteria provided, single submitter. Criteria: Invitae Variant Classification Sherloc (09022015). Collection method: clinical testing. Allele origin: germline.
Comment: This sequence change replaces alanine, which is neutral and non-polar, with glycine, which is neutral and non-polar, at codon 339 of the MSH6 protein (p.Ala339Gly). This variant is not present in population databases (gnomAD no frequency). This variant has not been reported in the literature in individuals affected with MSH6-related conditions. ClinVar contains an entry for this variant (Variation ID: 135828). Invitae Evidence Modeling of protein sequence and biophysical properties (such as structural, functional, and spatial information, amino acid conservation, physicochemical variation, residue mobility, and thermodynamic stability) indicates that this missense variant is not expected to disrupt MSH6 protein function with a negative predictive value of 95%. In summary, the available evidence is currently insufficient to determine the role of this variant in disease. Therefore, it has been classified as a Variant of Uncertain Significance.

Color Diagnostics, LLC DBA Color Health
Classification: Uncertain significance for Hereditary cancer-predisposing syndrome. Last evaluated: 2025-10-01. Review status: criteria provided, single submitter. Criteria: ACMG Guidelines, 2015. Collection method: clinical testing. Allele origin: germline.
Comment: This missense variant replaces alanine with glycine at codon 339 of the MSH6 protein. Computational prediction suggests that this variant may not impact protein structure and function. To our knowledge, functional studies have not been reported for this variant. This variant has not been reported in individuals affected with MSH6-related disorders in the literature. This variant has been identified in 1/1461882 chromosomes in the general population by the Genome Aggregation Database (gnomAD). The available evidence is insufficient to determine the role of this variant in disease conclusively. Therefore, this variant is classified as a Variant of Uncertain Significance.

Ambry Genetics
Classification: Uncertain significance for Hereditary cancer-predisposing syndrome. Last evaluated: 2025-06-06. Review status: criteria provided, single submitter. Criteria: Ambry Variant Classification Scheme 2023. Collection method: clinical testing. Allele origin: germline.
Comment: The p.A339G variant (also known as c.1016C>G), located in coding exon 4 of the MSH6 gene, results from a C to G substitution at nucleotide position 1016. The alanine at codon 339 is replaced by glycine, an amino acid with similar properties. This amino acid position is well conserved in available vertebrate species. In addition, this alteration is predicted to be tolerated by in silico analysis. Since supporting evidence is limited at this time, the clinical significance of this alteration remains unclear.

NM_000179.3(MSH6):c.1016C>G (p.Ala339Gly)

Gene: MSH6 (mutS homolog 6; plus strand). Cytogenetic location: 2p16.3.
Variant type: single nucleotide variant.
Coding change: c.1016C>G on transcript NM_000179.3 (MANE Select); coding-DNA position 1016, C replaced by G.
Protein change: p.Ala339Gly; replaces alanine 339 with glycine.
Molecular consequence: missense variant.
Genome position (GRCh38, 1-based): chr2:47,798,999, C>G. VCF-style: chr2-47798999-C-G. GRCh37 (hg19) VCF-style: chr2-48026138-C-G.
Other names: c.110C>G, p.Ala37Gly (NM_001281493.2, NM_001281494.2); c.626C>G, p.Ala209Gly (NM_001281492.2); short protein forms A339G, A209G, A37G.
Identifiers: ClinVar variation 135828 (VCV000135828.15), dbSNP rs587780669, ClinGen allele CA007797.